The following is an entry in ClinVar:

NM_152383.5(DIS3L2):c.778G>A (p.Glu260Lys)

Gene: DIS3L2 (DIS3 like 3'-5' exoribonuclease 2; plus strand). Cytogenetic location: 2q37.1.
Variant type: single nucleotide variant.
Coding change: c.778G>A on transcript NM_152383.5 (MANE Select); coding-DNA position 778, G replaced by A.
Protein change: p.Glu260Lys; replaces glutamic acid 260 with lysine.
Molecular consequence: missense variant. On other transcripts: non-coding transcript variant (1).
Genome position (GRCh38, 1-based): chr2:232,136,547, G>A. VCF-style: chr2-232136547-G-A. GRCh37 (hg19) VCF-style: chr2-233001257-G-A.
Other names: c.778G>A, p.Glu260Lys (NM_001257281.2); short protein forms E260K.
Identifiers: ClinVar variation 657590 (VCV000657590.8), dbSNP rs775360586, ClinGen allele CA2163949.

ClinVar aggregate classification (germline): Uncertain significance (1 of 4 stars; one submission).

Conditions:
Perlman syndrome (PRLMNS). Identifiers: Orphanet 2849, MedGen C0796113, MONDO:0009965, OMIM 267000.

Allele frequency attached by ClinVar (database versions not stated): gnomAD below 0.00001 and 0.00001; ExAC 0.00003; gnomAD exomes 0.00003.
gnomAD v4.1: 34 of 1,613,892 alleles (0.0021%); highest among the groups gnomAD compares: South Asian, 0.032%; no homozygotes.

Submission:

Labcorp Genetics (formerly Invitae), Labcorp
Classification: Uncertain significance for Perlman syndrome. Last evaluated: 2025-06-12. Review status: criteria provided, single submitter. Criteria: Invitae Variant Classification Sherloc (09022015). Collection method: clinical testing. Allele origin: germline.
Comment: This sequence change replaces glutamic acid, which is acidic and polar, with lysine, which is basic and polar, at codon 260 of the DIS3L2 protein (p.Glu260Lys). This variant is present in population databases (rs775360586, gnomAD 0.02%). This variant has not been reported in the literature in individuals affected with DIS3L2-related conditions. ClinVar contains an entry for this variant (Variation ID: 657590). An algorithm developed to predict the effect of missense changes on protein structure and function (PolyPhen-2) suggests that this variant is likely to be tolerated. In summary, the available evidence is currently insufficient to determine the role of this variant in disease. Therefore, it has been classified as a Variant of Uncertain Significance.